The following is an entry in ClinVar:

NM_004369.4(COL6A3):c.5374A>G (p.Asn1792Asp)

Gene: COL6A3 (collagen type VI alpha 3 chain; minus strand). Cytogenetic location: 2q37.3.
Variant type: single nucleotide variant.
Coding change: c.5374A>G on transcript NM_004369.4 (MANE Select); coding-DNA position 5374, A replaced by G.
Protein change: p.Asn1792Asp; replaces asparagine 1792 with aspartic acid.
Molecular consequence: missense variant.
Genome position (GRCh38, 1-based): chr2:237,366,813, T>C on the plus strand (A>G on the coding strand, the complement: COL6A3 is on the minus strand). VCF-style: chr2-237366813-T-C. GRCh37 (hg19) VCF-style: chr2-238275456-T-C.
Other names: c.3553A>G, p.Asn1185Asp (NM_057166.5); c.4756A>G, p.Asn1586Asp (NM_057167.4); short protein forms N1185D, N1586D, N1792D.
Identifiers: ClinVar variation 3630136 (VCV003630136.3).

ClinVar aggregate classification (germline): Uncertain significance. Review status: criteria provided, multiple submitters, no conflicts (2 of 4 stars). 2 submissions from 2 submitters: Uncertain significance (2). Last evaluated 2025-04-01.

Conditions:
Bethlem myopathy 1A. Also called: Bethlem myopathy 1; MYOPATHY, BENIGN CONGENITAL, WITH CONTRACTURES; Bethlem Muscular Dystrophy. Identifiers: Orphanet 610, MedGen CN029274, MONDO:0024530, OMIM 158810.
Inborn genetic diseases. Identifiers: MedGen C0950123, MeSH D030342.

gnomAD v4.1: 11 of 1,614,274 alleles (0.00068%); highest among the groups gnomAD compares: Non-Finnish European, 0.00093%; no homozygotes.

Submissions (2):

Labcorp Genetics (formerly Invitae), Labcorp
Classification: Uncertain significance for Bethlem myopathy 1A. Last evaluated: 2025-04-01. Review status: criteria provided, single submitter. Criteria: Invitae Variant Classification Sherloc (09022015). Collection method: clinical testing. Allele origin: germline.
Comment: This sequence change replaces asparagine, which is neutral and polar, with aspartic acid, which is acidic and polar, at codon 1792 of the COL6A3 protein (p.Asn1792Asp). This variant is present in population databases (rs770213666, gnomAD 0.003%). This variant has not been reported in the literature in individuals affected with COL6A3-related conditions. Invitae Evidence Modeling of protein sequence and biophysical properties (such as structural, functional, and spatial information, amino acid conservation, physicochemical variation, residue mobility, and thermodynamic stability) indicates that this missense variant is not expected to disrupt COL6A3 protein function with a negative predictive value of 80%. In summary, the available evidence is currently insufficient to determine the role of this variant in disease. Therefore, it has been classified as a Variant of Uncertain Significance.

Ambry Genetics
Classification: Uncertain significance for Inborn genetic diseases. Last evaluated: 2024-12-25. Review status: criteria provided, single submitter. Criteria: Ambry Variant Classification Scheme 2023. Collection method: clinical testing. Allele origin: germline.